The following is an entry in ClinVar:

NM_001142800.2(EYS):c.5116C>A (p.Gln1706Lys)

Gene: EYS (eyes shut homolog; minus strand). Cytogenetic location: 6q12.
Variant type: single nucleotide variant.
Coding change: c.5116C>A on transcript NM_001142800.2 (MANE Select); coding-DNA position 5116, C replaced by A.
Protein change: p.Gln1706Lys; replaces glutamine 1706 with lysine.
Molecular consequence: missense variant.
Genome position (GRCh38, 1-based): chr6:64,590,751, G>T on the plus strand (C>A on the coding strand, the complement: EYS is on the minus strand). VCF-style: chr6-64590751-G-T. GRCh37 (hg19) VCF-style: chr6-65300644-G-T.
Other names: c.5116C>A, p.Gln1706Lys (NM_001292009.2); short protein forms Q1706K.
Identifiers: ClinVar variation 1987089 (VCV001987089.1), dbSNP rs1221943541, ClinGen allele CA364781817.
Genomic context (GRCh38, chr6:64,590,751, plus strand): 5'-CCATGTCCAATAAGCTCTCTTGATTTAGTACCTCAGTGGGTCCCATAGTTATGCCATATT[G>T]TCTTATTTTCAATAGTTTTAAAATGTTTTCTGATACTGACAGTTCATCAGTAGTCATTTT-3'
Protein context (NP_001136272.1, residues 1696-1716): ENILKLLKIR[Gln1706Lys]YGITMGPTEV

ClinVar aggregate classification (germline): Uncertain significance (1 of 4 stars; one submission).

Allele frequency attached by ClinVar (database versions not stated): gnomAD 0.00002; TOPMed 0.00002.
gnomAD v4.1: 6 of 1,550,686 alleles (0.00039%); highest among the groups gnomAD compares: Non-Finnish European, 0.00052%; no homozygotes.

Submission:

Labcorp Genetics (formerly Invitae), Labcorp
Classification: Uncertain significance. Last evaluated: 2022-07-26. Review status: criteria provided, single submitter. Criteria: Invitae Variant Classification Sherloc (09022015). Collection method: clinical testing. Allele origin: germline.
Comment: This sequence change replaces glutamine, which is neutral and polar, with lysine, which is basic and polar, at codon 1706 of the EYS protein (p.Gln1706Lys). This variant is not present in population databases (gnomAD no frequency). This variant has not been reported in the literature in individuals affected with EYS-related conditions. Algorithms developed to predict the effect of missense changes on protein structure and function output the following: SIFT: "Tolerated"; PolyPhen-2: "Benign"; Align-GVGD: "Class C0". The lysine amino acid residue is found in multiple mammalian species, which suggests that this missense change does not adversely affect protein function. In summary, the available evidence is currently insufficient to determine the role of this variant in disease. Therefore, it has been classified as a Variant of Uncertain Significance.